The following is an entry in ClinVar:

ClinVar aggregate classification (germline): Uncertain significance. Review status: criteria provided, multiple submitters, no conflicts (2 of 4 stars). 2 submissions from 2 submitters: Uncertain significance (2). Last evaluated 2025-10-07.

Conditions:
Hereditary cancer-predisposing syndrome. Also called: Tumor predisposition; Hereditary Cancer Syndrome; Hereditary neoplastic syndrome; Neoplastic Syndromes, Hereditary. Identifiers: Orphanet 140162, MedGen C0027672, MeSH D009386, MONDO:0015356.
Hereditary nonpolyposis colorectal neoplasms. Identifiers: MedGen C0009405, MeSH D003123.

Submissions (2):

Labcorp Genetics (formerly Invitae), Labcorp
Classification: Uncertain significance for Hereditary nonpolyposis colorectal neoplasms. Last evaluated: 2025-10-07. Review status: criteria provided, single submitter. Criteria: Invitae Variant Classification Sherloc (09022015). Collection method: clinical testing. Allele origin: germline.
Comment: This sequence change replaces isoleucine, which is neutral and non-polar, with threonine, which is neutral and polar, at codon 724 of the PMS2 protein (p.Ile724Thr). The frequency data for this variant in the population databases (gnomAD) is considered unreliable due to the presence of homologous sequence, such as pseudogenes or paralogs, in the genome. This variant has not been reported in the literature in individuals affected with PMS2-related conditions. ClinVar contains an entry for this variant (Variation ID: 411039). Invitae Evidence Modeling of protein sequence and biophysical properties (such as structural, functional, and spatial information, amino acid conservation, physicochemical variation, residue mobility, and thermodynamic stability) indicates that this missense variant is expected to disrupt PMS2 protein function with a positive predictive value of 80%. In summary, the available evidence is currently insufficient to determine the role of this variant in disease. Therefore, it has been classified as a Variant of Uncertain Significance.

Ambry Genetics
Classification: Uncertain significance for Hereditary cancer-predisposing syndrome. Last evaluated: 2025-01-07. Review status: criteria provided, single submitter. Criteria: Ambry Variant Classification Scheme 2023. Collection method: clinical testing. Allele origin: germline.
Comment: The p.I724T variant (also known as c.2171T>C), located in coding exon 12 of the PMS2 gene, results from a T to C substitution at nucleotide position 2171. The isoleucine at codon 724 is replaced by threonine, an amino acid with similar properties. This amino acid position is highly conserved in available vertebrate species. In addition, this alteration is predicted to be deleterious by in silico analysis. Since supporting evidence is limited at this time, the clinical significance of this alteration remains unclear.

NM_000535.7(PMS2):c.2171T>C (p.Ile724Thr)

Gene: PMS2 (PMS1 homolog 2, mismatch repair system component; minus strand). Cytogenetic location: 7p22.1.
Variant type: single nucleotide variant.
Coding change: c.2171T>C on transcript NM_000535.7 (MANE Select); coding-DNA position 2171, T replaced by C.
Protein change: p.Ile724Thr; replaces isoleucine 724 with threonine.
Molecular consequence: missense variant. On other transcripts: non-coding transcript variant (1).
Genome position (GRCh38, 1-based): chr7:5,982,827, A>G on the plus strand (T>C on the coding strand, the complement: PMS2 is on the minus strand). VCF-style: chr7-5982827-A-G. GRCh37 (hg19) VCF-style: chr7-6022458-A-G.
Other names: c.1766T>C, p.Ile589Thr (NM_001322003.2, NM_001322004.2, NM_001322005.2 and 1 more transcripts); c.2015T>C, p.Ile672Thr (NM_001322006.2); c.1853T>C, p.Ile618Thr (NM_001322007.2, NM_001322008.2); c.1610T>C, p.Ile537Thr (NM_001322010.2); c.1238T>C, p.Ile413Thr (NM_001322011.2, NM_001322012.2); c.1598T>C, p.Ile533Thr (NM_001322013.2); c.2171T>C, p.Ile724Thr (NM_001322014.2); c.1862T>C, p.Ile621Thr (NM_001322015.2); short protein forms I724T, I589T, I537T, I621T, I672T, I413T, I533T, I618T.
Identifiers: ClinVar variation 411039 (VCV000411039.11), dbSNP rs1060503123, ClinGen allele CA16612383.